The following is an entry in ClinVar:

ClinVar aggregate classification (germline): Uncertain significance (1 of 4 stars; one submission).

Submission:

Labcorp Genetics (formerly Invitae), Labcorp
Classification: Uncertain significance. Last evaluated: 2022-06-04. Review status: criteria provided, single submitter. Criteria: Invitae Variant Classification Sherloc (09022015). Collection method: clinical testing. Allele origin: germline.
Comment: This sequence change replaces alanine, which is neutral and non-polar, with threonine, which is neutral and polar, at codon 3027 of the VCAN protein (p.Ala3027Thr). This variant is not present in population databases (gnomAD no frequency). This variant has not been reported in the literature in individuals affected with VCAN-related conditions. Algorithms developed to predict the effect of missense changes on protein structure and function output the following: SIFT: "Deleterious"; PolyPhen-2: "Benign"; Align-GVGD: "Class C0". The threonine amino acid residue is found in multiple mammalian species, which suggests that this missense change does not adversely affect protein function. In summary, the available evidence is currently insufficient to determine the role of this variant in disease. Therefore, it has been classified as a Variant of Uncertain Significance.

NM_004385.5(VCAN):c.9079G>A (p.Ala3027Thr)

Genes: VCAN (versican; plus strand), VCAN-AS1 (VCAN antisense RNA 1; minus strand). Cytogenetic location: 5q14.3.
Variant type: single nucleotide variant.
Coding change: c.9079G>A on transcript NM_004385.5 (MANE Select); coding-DNA position 9079, G replaced by A.
Protein change: p.Ala3027Thr; replaces alanine 3027 with threonine.
Molecular consequence: missense variant. On other transcripts: intron variant (2).
Genome position (GRCh38, 1-based): chr5:83,542,082, G>A. VCF-style: chr5-83542082-G-A. GRCh37 (hg19) VCF-style: chr5-82837901-G-A.
Other names: c.6118G>A, p.Ala2040Thr (NM_001164097.2); c.4004-3455G>A (NM_001164098.2); c.1043-3455G>A (NM_001126336.3); short protein forms A2040T, A3027T.
Identifiers: ClinVar variation 2029131 (VCV002029131.4), dbSNP rs2479126205, ClinGen allele CA360294887.